The following is an entry in ClinVar:

ClinVar aggregate classification (germline): Benign. Review status: criteria provided, multiple submitters, no conflicts (2 of 4 stars). 7 submissions from 6 submitters: Benign (5). 2 of the submissions do not count toward it. Last evaluated 2025-11-12.

Conditions:
Autosomal recessive nonsyndromic hearing loss 84A. Also called: DEAFNESS, AUTOSOMAL RECESSIVE 84A; DEAFNESS, AUTOSOMAL RECESSIVE 84A, WITH VESTIBULAR DYSFUNCTION. Identifiers: Orphanet 90636, MedGen C3150654, MONDO:0013249, OMIM 613391.
PTPRQ-related disorder. Also called: PTPRQ-related condition.
Hearing loss, autosomal dominant 73. Also called: DEAFNESS, AUTOSOMAL DOMINANT 73. Identifiers: MedGen C4540024, MONDO:0033260, OMIM 617663.

Allele frequency attached by ClinVar (database versions not stated): 1000 Genomes Project 30x 0.45331; 1000 Genomes Project 0.46046; TOPMed 0.50020; gnomAD 0.52337 and 0.52944; ESP Exome Variant Server 0.54577; gnomAD exomes 0.60472 and 0.65041; ExAC 0.61051.
gnomAD v4.1: 981,482 of 1,540,096 alleles (64%); highest among the groups gnomAD compares: South Asian, 68%; 321,846 homozygotes.

Submissions (7):

PreventionGenetics, part of Exact Sciences
Classification: Benign for PTPRQ-related condition. Last evaluated: 2025-11-12. Review status: criteria provided, single submitter. Criteria: ACMG Guidelines, 2015. Collection method: clinical testing. Allele origin: germline.
Comment: This variant is classified as benign based on ACMG/AMP sequence variant interpretation guidelines (Richards et al. 2015 PMID: 25741868, with internal and published modifications).

Genome-Nilou Lab
Classification: Benign for Hearing loss, autosomal dominant 73. Last evaluated: 2021-11-07. Review status: criteria provided, single submitter. Criteria: ACMG Guidelines, 2015. Collection method: clinical testing. Allele origin: germline. Affected: no.

Genome-Nilou Lab
Classification: Benign for Autosomal recessive nonsyndromic hearing loss 84A. Last evaluated: 2021-11-07. Review status: criteria provided, single submitter. Criteria: ACMG Guidelines, 2015. Collection method: clinical testing. Allele origin: germline. Affected: no.

GeneDx
Classification: Benign. Last evaluated: 2018-07-05. Review status: criteria provided, single submitter. Criteria: GeneDx Variant Classification Process June 2021. Collection method: clinical testing. Allele origin: germline. Affected: yes.

Breakthrough Genomics
Classification: Benign. Review status: criteria provided, single submitter. Criteria: ACMG Guidelines, 2015. Collection method: not provided. Allele origin: germline. Inheritance: Autosomal recessive inheritance. Affected: yes.

Diagnostic Laboratory, Department of Genetics, University Medical Center Groningen
Classification: Benign. Review status: no assertion criteria provided. Collection method: clinical testing. Allele origin: germline. Affected: yes. Study: VKGL Data-share Consensus. Not counted in ClinVar's aggregate classification.

Joint Genome Diagnostic Labs from Nijmegen and Maastricht, Radboudumc and MUMC+
Classification: Benign. Review status: no assertion criteria provided. Collection method: clinical testing. Allele origin: germline. Affected: yes. Study: VKGL Data-share Consensus. Not counted in ClinVar's aggregate classification.

NM_001145026.2(PTPRQ):c.2505C>G (p.Leu835=)

Gene: PTPRQ (protein tyrosine phosphatase receptor type Q; plus strand). Cytogenetic location: 12q21.31.
Variant type: single nucleotide variant.
Coding change: c.2505C>G on transcript NM_001145026.2 (MANE Select); coding-DNA position 2505, C replaced by G.
Protein change: p.Leu835=; no amino-acid change (leucine 835 retained).
Molecular consequence: synonymous variant.
Genome position (GRCh38, 1-based): chr12:80,506,618, C>G. VCF-style: chr12-80506618-C-G. GRCh37 (hg19) VCF-style: chr12-80900397-C-G.
Identifiers: ClinVar variation 1174974 (VCV001174974.10), dbSNP rs12824064, ClinGen allele CA6702557.